The following is an entry in ClinVar:

NM_181672.3(OGT):c.1932G>C (p.Lys644Asn)

Gene: OGT (O-linked N-acetylglucosamine (GlcNAc) transferase; plus strand). Cytogenetic location: Xq13.1.
Variant type: single nucleotide variant.
Coding change: c.1932G>C on transcript NM_181672.3 (MANE Select); coding-DNA position 1932, G replaced by C.
Protein change: p.Lys644Asn; replaces lysine 644 with asparagine.
Molecular consequence: missense variant.
Genome position (GRCh38, 1-based): chrX:71,561,855, G>C. VCF-style: chrX-71561855-G-C. GRCh37 (hg19) VCF-style: chrX-70781705-G-C.
Other names: c.1902G>C, p.Lys634Asn (NM_181673.3); short protein forms K634N, K644N.
Identifiers: ClinVar variation 3370751 (VCV003370751.1).

ClinVar aggregate classification (germline): Uncertain significance (1 of 4 stars; one submission).

Submission:

GeneDx
Classification: Uncertain significance. Last evaluated: 2024-03-08. Review status: criteria provided, single submitter. Criteria: GeneDx Variant Classification Process June 2021. Collection method: clinical testing. Allele origin: germline. Affected: yes.
Comment: Not observed at significant frequency in large population cohorts (gnomAD); In silico analysis supports that this missense variant has a deleterious effect on protein structure/function; Has not been previously published as pathogenic or benign to our knowledge